The following is an entry in ClinVar:

ClinVar aggregate classification (germline): Uncertain significance (1 of 4 stars; one submission).

Allele frequency attached by ClinVar (database versions not stated): gnomAD exomes below 0.00001.
gnomAD v4.1: 1 of 1,551,518 alleles (0.000064%); highest among the groups gnomAD compares: African/African-American, 0.0014%; no homozygotes.

Submission:

Ambry Genetics
Classification: Uncertain significance. Last evaluated: 2023-10-13. Review status: criteria provided, single submitter. Criteria: Ambry Variant Classification Scheme 2023. Collection method: clinical testing. Allele origin: germline.
Comment: The c.157G>A (p.E53K) alteration is located in coding exon 1 of the BMP7 gene. This alteration results from a G to A substitution at nucleotide position 157, causing the glutamic acid (E) at amino acid position 53 to be replaced by a lysine (K). This variant was not reported in population-based cohorts in the Genome Aggregation Database (gnomAD). This amino acid position is highly conserved in available vertebrate species. The in silico prediction for this alteration is inconclusive. Based on insufficient or conflicting evidence, the clinical significance of this alteration remains unclear.

Literature cited by the submitters: PubMed 19855013.

NM_001719.3(BMP7):c.157G>A (p.Glu53Lys)

Gene: BMP7 (bone morphogenetic protein 7; minus strand). Cytogenetic location: 20q13.31.
Variant type: single nucleotide variant.
Coding change: c.157G>A on transcript NM_001719.3 (MANE Select); coding-DNA position 157, G replaced by A.
Protein change: p.Glu53Lys; replaces glutamic acid 53 with lysine.
Molecular consequence: missense variant.
Genome position (GRCh38, 1-based): chr20:57,265,966, C>T on the plus strand (G>A on the coding strand, the complement: BMP7 is on the minus strand). VCF-style: chr20-57265966-C-T. GRCh37 (hg19) VCF-style: chr20-55841022-C-T.
Other names: short protein forms E53K.
Identifiers: ClinVar variation 521477 (VCV000521477.4), dbSNP rs1186663823, ClinGen allele CA409701955.